The following is an entry in ClinVar:

NM_005560.6(LAMA5):c.3295C>T (p.Leu1099Phe)

Gene: LAMA5 (laminin subunit alpha 5; minus strand). Cytogenetic location: 20q13.33.
Variant type: single nucleotide variant.
Coding change: c.3295C>T on transcript NM_005560.6 (MANE Select); coding-DNA position 3295, C replaced by T.
Protein change: p.Leu1099Phe; replaces leucine 1099 with phenylalanine.
Molecular consequence: missense variant.
Genome position (GRCh38, 1-based): chr20:62,332,705, G>A on the plus strand (C>T on the coding strand, the complement: LAMA5 is on the minus strand). VCF-style: chr20-62332705-G-A. GRCh37 (hg19) VCF-style: chr20-60907761-G-A.
Other names: short protein forms L1099F.
Identifiers: ClinVar variation 725535 (VCV000725535.35), dbSNP rs138521932, ClinGen allele CA9943055.

ClinVar aggregate classification (germline): Benign. Review status: criteria provided, multiple submitters, no conflicts (2 of 4 stars). 4 submissions from 4 submitters: Benign (3). 1 of the submissions does not count toward it. Last evaluated 2026-08-01.

Conditions:
LAMA5-related disorder. Also called: LAMA5-Related Disorders; LAMA5-related condition.

Allele frequency attached by ClinVar (database versions not stated): 1000 Genomes Project 0.00180; 1000 Genomes Project 30x 0.00219; TOPMed 0.00291; gnomAD 0.00348 and 0.00364; gnomAD exomes 0.00448 and 0.00517; ESP Exome Variant Server 0.00470; ExAC 0.00523.
gnomAD v4.1: 7,978 of 1,610,712 alleles (0.5%); highest among the groups gnomAD compares: South Asian, 1.1%; 34 homozygotes.

Submissions (4):

CeGaT Center for Human Genetics Tuebingen
Classification: Benign. Last evaluated: 2026-08-01. Review status: criteria provided, single submitter. Criteria: CeGaT Center For Human Genetics Tuebingen Variant Classification Criteria Version 2. Collection method: clinical testing. Allele origin: germline. Affected: yes. Observed: 3 variant alleles.
Comment: LAMA5: BS1, BS2

Labcorp Genetics (formerly Invitae), Labcorp
Classification: Benign. Last evaluated: 2026-01-25. Review status: criteria provided, single submitter. Criteria: Invitae Variant Classification Sherloc (09022015). Collection method: clinical testing. Allele origin: germline.

Breakthrough Genomics
Classification: Benign. Review status: criteria provided, single submitter. Criteria: ACMG Guidelines, 2015. Collection method: not provided. Allele origin: germline. Inheritance: Autosomal recessive inheritance. Affected: yes.

PreventionGenetics, part of Exact Sciences
Classification: Benign for LAMA5-related condition. Last evaluated: 2019-11-22. Review status: no assertion criteria provided. Collection method: clinical testing. Allele origin: germline. Not counted in ClinVar's aggregate classification.
Comment: This variant is classified as benign based on ACMG/AMP sequence variant interpretation guidelines (Richards et al. 2015 PMID: 25741868, with internal and published modifications).